The following is an entry in ClinVar:

ClinVar aggregate classification (germline): Pathogenic (1 of 4 stars; one submission).

Conditions:
Catecholaminergic polymorphic ventricular tachycardia 1. Also called: RYR2-Related Catecholaminergic Polymorphic Ventricular Tachycardia; VENTRICULAR TACHYCARDIA, CATECHOLAMINERGIC POLYMORPHIC, 1, WITH OR WITHOUT ATRIAL DYSFUNCTION AND/OR DILATED CARDIOMYOPATHY; VENTRICULAR TACHYCARDIA, STRESS-INDUCED POLYMORPHIC 1. Identifiers: Orphanet 3286, MedGen C1631597, MONDO:0011484, OMIM 604772.

Submission:

Labcorp Genetics (formerly Invitae), Labcorp
Classification: Pathogenic for Catecholaminergic polymorphic ventricular tachycardia 1. Last evaluated: 2021-08-06. Review status: criteria provided, single submitter. Criteria: Invitae Variant Classification Sherloc (09022015). Collection method: clinical testing. Allele origin: germline.
Comment: This sequence change replaces aspartic acid with glutamic acid at codon 2300 of the RYR2 protein (p.Asp2300Glu). The aspartic acid residue is highly conserved and there is a small physicochemical difference between aspartic acid and glutamic acid. This variant is not present in population databases (ExAC no frequency). This variant has been observed in individual(s) with clinical features of RYR2-related conditions (Invitae). In at least one individual the variant was observed to be de novo. Advanced modeling of protein sequence and biophysical properties (such as structural, functional, and spatial information, amino acid conservation, physicochemical variation, residue mobility, and thermodynamic stability) performed at Invitae indicates that this missense variant is expected to disrupt RYR2 protein function. For these reasons, this variant has been classified as Pathogenic.

NM_001035.3(RYR2):c.6900C>G (p.Asp2300Glu)

Gene: RYR2 (ryanodine receptor 2; plus strand). Cytogenetic location: 1q43.
Variant type: single nucleotide variant.
Coding change: c.6900C>G on transcript NM_001035.3 (MANE Select); coding-DNA position 6900, C replaced by G.
Protein change: p.Asp2300Glu; replaces aspartic acid 2300 with glutamic acid.
Molecular consequence: missense variant.
Genome position (GRCh38, 1-based): chr1:237,638,464, C>G. VCF-style: chr1-237638464-C-G. GRCh37 (hg19) VCF-style: chr1-237801764-C-G.
Other names: short protein forms D2300E.
Identifiers: ClinVar variation 1384586 (VCV001384586.9), dbSNP rs2148724390, ClinGen allele CA345395652.